The following is an entry in ClinVar:

NM_000075.4(CDK4):c.862C>A (p.Arg288=)

Genes: TSPAN31 (tetraspanin 31; plus strand), CDK4 (cyclin dependent kinase 4; minus strand). Cytogenetic location: 12q14.1.
Variant type: single nucleotide variant.
Coding change: c.862C>A on transcript NM_000075.4 (MANE Select); coding-DNA position 862, C replaced by A.
Protein change: p.Arg288=; no amino-acid change (arginine 288 retained).
Molecular consequence: synonymous variant. On other transcripts: 3 prime UTR variant (3).
Genome position (GRCh38, 1-based): chr12:57,748,575, G>T on the plus strand (C>A on the coding strand, the complement: CDK4 is on the minus strand). VCF-style: chr12-57748575-G-T. GRCh37 (hg19) VCF-style: chr12-58142358-G-T.
Other names: c.*1285G>T (NM_001330168.2, NM_001330169.2, NM_005981.5).
Identifiers: ClinVar variation 3379079 (VCV003379079.1).

ClinVar aggregate classification (germline): Benign (1 of 4 stars; one submission).

Conditions:
Melanoma, cutaneous malignant, susceptibility to, 3. Also called: Cutaneous malignant melanoma 3. Identifiers: Orphanet 618, MedGen C1836892, MONDO:0012183, OMIM 609048.

gnomAD v4.1: 2 of 1,613,992 alleles (0.00012%); highest among the groups gnomAD compares: South Asian, 0.0022%; no homozygotes.

Submission:

Myriad Genetics, Inc.
Classification: Benign for Melanoma, cutaneous malignant, susceptibility to, 3. Last evaluated: 2024-09-27. Review status: criteria provided, single submitter. Criteria: Myriad Autosomal Dominant, Autosomal Recessive and X-Linked Classification Criteria (2023). Collection method: clinical testing. Allele origin: unknown.
Comment: This variant is considered benign. This variant is a silent/synonymous amino acid change and it is not expected to impact splicing.